The following is an entry in ClinVar:

Conditions:
Breast-ovarian cancer, familial, susceptibility to, 1 (BROVCA1). Also called: BRCA1 Hereditary Breast and Ovarian Cancer; OVARIAN CANCER, SUSCEPTIBILITY TO. Identifiers: Orphanet 145, MedGen C2676676, MONDO:0011450, OMIM 604370. Disease mechanism: loss of function.

Submission:

Brotman Baty Institute, University of Washington
No classification provided (evidence only). Condition: Breast-ovarian cancer, familial 1. Review status: no classification provided. Collection method: in vitro. Allele origin: not applicable. Functional consequence: functionally_normal.
ClinVar note: "not provided" was previously submitted as the classification for the variant. However, the classification appeared to be based only on an observation of functional data so it was converted to no classification on 2025-07-30.

NM_007294.4(BRCA1):c.134+12T>G

Gene: BRCA1 (BRCA1 DNA repair associated; minus strand). Cytogenetic location: 17q21.31.
Variant type: single nucleotide variant.
Coding change: c.134+12T>G on transcript NM_007294.4 (MANE Select); 12 bases into the intron after coding-DNA position 134, T replaced by G.
Molecular consequence: intron variant.
Genome position (GRCh38, 1-based): chr17:43,115,714, A>C on the plus strand (T>G on the coding strand, the complement: BRCA1 is on the minus strand). VCF-style: chr17-43115714-A-C. GRCh37 (hg19) VCF-style: chr17-41267731-A-C.
Other names: c.-55+12T>G (NM_001407885.1, NM_001407886.1, NM_001408509.1 and 52 more transcripts); c.-8+12T>G (NM_001408470.1, NM_001407848.1, NM_001407839.1 and 47 more transcripts); c.-124+12T>G (NM_001407746.1, NM_001408468.1, NM_001407842.1 and 13 more transcripts); c.-8+8303T>G (NM_001408461.1, NM_001407738.1, NM_001407932.1 and 23 more transcripts); c.134+12T>G (NM_001407686.1, NM_001408397.1, NM_001407632.1 and 191 more transcripts); c.80+8303T>G (NM_001408451.1); c.-55+8303T>G (NM_001407898.1, NM_001407881.1, NM_001407902.1); c.-171+12T>G (NM_001408492.1, NM_001407889.1, NM_001407900.1); and 10 more.
Identifiers: ClinVar variation 867525 (VCV000867525.3), dbSNP rs2055239927, ClinGen allele CA916080975.